The following is an entry in ClinVar:

ClinVar aggregate classification (germline): Uncertain significance (1 of 4 stars; one submission).

Submission:

Ambry Genetics
Classification: Uncertain significance. Last evaluated: 2022-01-28. Review status: criteria provided, single submitter. Criteria: Ambry Variant Classification Scheme 2023. Collection method: clinical testing. Allele origin: germline.
Comment: The p.P77L variant (also known as c.230C>T), located in coding exon 2 of the POLQ gene, results from a C to T substitution at nucleotide position 230. The proline at codon 77 is replaced by leucine, an amino acid with similar properties. This amino acid position is conserved. In addition, the in silico prediction for this alteration is inconclusive. Since supporting evidence is limited at this time, the clinical significance of this alteration remains unclear.

NM_199420.4(POLQ):c.230C>T (p.Pro77Leu)

Gene: POLQ (DNA polymerase theta; minus strand). Cytogenetic location: 3q13.33.
Variant type: single nucleotide variant.
Coding change: c.230C>T on transcript NM_199420.4 (MANE Select); coding-DNA position 230, C replaced by T.
Protein change: p.Pro77Leu; replaces proline 77 with leucine.
Molecular consequence: missense variant.
Genome position (GRCh38, 1-based): chr3:121,544,840, G>A on the plus strand (C>T on the coding strand, the complement: POLQ is on the minus strand). VCF-style: chr3-121544840-G-A. GRCh37 (hg19) VCF-style: chr3-121263687-G-A.
Other names: short protein forms P77L.
Identifiers: ClinVar variation 1789408 (VCV001789408.2), dbSNP rs2546827950, ClinGen allele CA354094732.